The following is an entry in ClinVar:

ClinVar aggregate classification (germline): Uncertain significance (1 of 4 stars; one submission).

Conditions:
Bloom syndrome (BLM). Also called: Bloom-Torre-Machacek syndrome. Identifiers: Orphanet 125, MedGen C0005859, MONDO:0008876, OMIM 210900.

Submission:

Labcorp Genetics (formerly Invitae), Labcorp
Classification: Uncertain significance for Bloom syndrome. Last evaluated: 2024-01-11. Review status: criteria provided, single submitter. Criteria: Invitae Variant Classification Sherloc (09022015). Collection method: clinical testing. Allele origin: germline.
Comment: This sequence change replaces alanine, which is neutral and non-polar, with proline, which is neutral and non-polar, at codon 631 of the BLM protein (p.Ala631Pro). This variant is not present in population databases (gnomAD no frequency). This variant has not been reported in the literature in individuals affected with BLM-related conditions. ClinVar contains an entry for this variant (Variation ID: 2189807). Advanced modeling of protein sequence and biophysical properties (such as structural, functional, and spatial information, amino acid conservation, physicochemical variation, residue mobility, and thermodynamic stability) performed at Invitae indicates that this missense variant is not expected to disrupt BLM protein function with a negative predictive value of 80%. In summary, the available evidence is currently insufficient to determine the role of this variant in disease. Therefore, it has been classified as a Variant of Uncertain Significance.

NM_000057.4(BLM):c.1891G>C (p.Ala631Pro)

Gene: BLM (BLM RecQ like helicase; plus strand). Cytogenetic location: 15q26.1.
Variant type: single nucleotide variant.
Coding change: c.1891G>C on transcript NM_000057.4 (MANE Select); coding-DNA position 1891, G replaced by C.
Protein change: p.Ala631Pro; replaces alanine 631 with proline.
Molecular consequence: missense variant.
Genome position (GRCh38, 1-based): chr15:90,762,974, G>C. VCF-style: chr15-90762974-G-C. GRCh37 (hg19) VCF-style: chr15-91306204-G-C.
Other names: c.1891G>C, p.Ala631Pro (NM_001287246.2, NM_001287247.2); c.766G>C, p.Ala256Pro (NM_001287248.2); short protein forms A256P, A631P.
Identifiers: ClinVar variation 2189807 (VCV002189807.4), dbSNP rs2151160497, ClinGen allele CA393844079.